The following is an entry in ClinVar:

NM_001267550.2(TTN):c.43316G>A (p.Arg14439His)

Gene: TTN (titin; minus strand). Cytogenetic location: 2q31.2.
Variant type: single nucleotide variant.
Coding change: c.43316G>A on transcript NM_001267550.2 (MANE Select); coding-DNA position 43316, G replaced by A.
Protein change: p.Arg14439His; replaces arginine 14439 with histidine.
Molecular consequence: missense variant.
Genome position (GRCh38, 1-based): chr2:178,632,690, C>T on the plus strand (G>A on the coding strand, the complement: TTN is on the minus strand). VCF-style: chr2-178632690-C-T. GRCh37 (hg19) VCF-style: chr2-179497417-C-T.
Other names: c.38393G>A, p.Arg12798His (NM_001256850.1); c.16121G>A, p.Arg5374His (NM_003319.4); c.35612G>A, p.Arg11871His (NM_133378.4); c.16496G>A, p.Arg5499His (NM_133432.3); c.16697G>A, p.Arg5566His (NM_133437.4); short protein forms R11871H, R14439H, R12798H, R5566H, R5374H, R5499H.
Identifiers: ClinVar variation 332871 (VCV000332871.9), dbSNP rs764117439, ClinGen allele CA1995897.

ClinVar aggregate classification (germline): Uncertain significance. Review status: criteria provided, multiple submitters, no conflicts (2 of 4 stars). 3 submissions from 3 submitters: Uncertain significance (3). Last evaluated 2026-09-15.

Conditions:
Cardiovascular phenotype. Identifiers: MedGen CN230736.
TTN-related disorder. Also called: TTN-related disorders; TTN-related condition; TTN-related disease.

Allele frequency attached by ClinVar (database versions not stated): ExAC 0.00001; gnomAD exomes 0.00001; TOPMed 0.00001; gnomAD 0.00003.

Submissions (3):

PreventionGenetics, part of Exact Sciences
Classification: Uncertain significance for TTN-related condition. Last evaluated: 2026-09-15. Review status: criteria provided, single submitter. Criteria: ACMG Guidelines, 2015. Collection method: clinical testing. Allele origin: germline.
Comment: The TTN c.43316G>A variant is predicted to result in the amino acid substitution p.Arg14439His. This variant has been reported in an individual with idiopathic ventricular fibrillation (described as p.Arg12798His, Pannone et al. 2023. PubMed ID: 37227348). This variant is reported in 0.0057% of alleles in individuals of Latino descent in gnomAD. At this time, the clinical significance of this variant is uncertain due to the absence of conclusive functional and genetic evidence.

Revvity Omics, Revvity
Classification: Uncertain significance. Last evaluated: 2025-04-03. Review status: criteria provided, single submitter. Criteria: ACMG Guidelines, 2015. Collection method: clinical testing. Allele origin: germline.

Ambry Genetics
Classification: Uncertain significance for Cardiovascular phenotype. Last evaluated: 2018-09-29. Review status: criteria provided, single submitter. Criteria: Ambry Variant Classification Scheme 2023. Collection method: clinical testing. Allele origin: germline.
Comment: The p.R5374H variant (also known as c.16121G>A), located in coding exon 62 of the TTN gene, results from a G to A substitution at nucleotide position 16121. The arginine at codon 5374 is replaced by histidine, an amino acid with highly similar properties. This amino acid position is well conserved in available vertebrate species; however, histidine is the reference amino acid in other vertebrate species. In addition, this alteration is predicted to be tolerated by in silico analysis. Since supporting evidence is limited at this time, the clinical significance of this alteration remains unclear.